The following is an entry in ClinVar:

ClinVar aggregate classification (germline): Benign (1 of 4 stars; one submission).

Allele frequency attached by ClinVar (database versions not stated): gnomAD exomes 0.65915; gnomAD 0.68698; TOPMed 0.69604; 1000 Genomes Project 30x 0.79575; 1000 Genomes Project 0.80052.
gnomAD v4.1: 630,688 of 949,194 alleles (66%); highest among the groups gnomAD compares: East Asian, 94%; 215,792 homozygotes.

Submission:

Unidad de Genómica Garrahan, Hospital de Pediatría Garrahan
Classification: Benign. Last evaluated: 2023-11-12. Review status: criteria provided, single submitter. Criteria: ACMG Guidelines, 2015. Collection method: clinical testing. Allele origin: germline. Affected: no. Observed: 47 variant alleles.
Comment: This variant is classified as Benign based on local population frequency. This variant was detected in 49% of patients studied by a panel of primary immunodeficiencies. Number of patients: 47. Only high quality variants are reported.

NM_012275.3(IL36RN):c.29+137C>T

Gene: IL36RN (interleukin 36 receptor antagonist; plus strand). Cytogenetic location: 2q14.1.
Variant type: single nucleotide variant.
Coding change: c.29+137C>T on transcript NM_012275.3 (MANE Select); 137 bases into the intron after coding-DNA position 29, C replaced by T.
Molecular consequence: intron variant.
Genome position (GRCh38, 1-based): chr2:113,059,604, C>T. VCF-style: chr2-113059604-C-T. GRCh37 (hg19) VCF-style: chr2-113817181-C-T.
Other names: c.29+137C>T (NM_173170.1).
Identifiers: ClinVar variation 2628183 (VCV002628183.2), dbSNP rs2515392, ClinGen allele CA15209692.